The following is an entry in ClinVar:

ClinVar aggregate classification (germline): Uncertain significance (1 of 4 stars; one submission).

Allele frequency attached by ClinVar (database versions not stated): gnomAD exomes below 0.00001; ExAC 0.00001; gnomAD 0.00002 and 0.00003; TOPMed 0.00003.
gnomAD v4.1: 6 of 1,613,076 alleles (0.00037%); highest among the groups gnomAD compares: African/African-American, 0.0053%; no homozygotes.

Submission:

Labcorp Genetics (formerly Invitae), Labcorp
Classification: Uncertain significance. Last evaluated: 2024-02-24. Review status: criteria provided, single submitter. Criteria: Invitae Variant Classification Sherloc (09022015). Collection method: clinical testing. Allele origin: germline.
Comment: This sequence change replaces lysine, which is basic and polar, with asparagine, which is neutral and polar, at codon 3134 of the SPEG protein (p.Lys3134Asn). This variant is present in population databases (rs774321268, gnomAD 0.007%). This variant has not been reported in the literature in individuals affected with SPEG-related conditions. ClinVar contains an entry for this variant (Variation ID: 1413316). An algorithm developed to predict the effect of missense changes on protein structure and function (PolyPhen-2) suggests that this variant is likely to be disruptive. In summary, the available evidence is currently insufficient to determine the role of this variant in disease. Therefore, it has been classified as a Variant of Uncertain Significance.

NM_005876.5(SPEG):c.9402G>C (p.Lys3134Asn)

Genes: ASIC4-AS1 (ASIC4 antisense RNA 1; minus strand), SPEG (striated muscle enriched protein kinase; plus strand). Cytogenetic location: 2q35.
Variant type: single nucleotide variant.
Coding change: c.9402G>C on transcript NM_005876.5 (MANE Select); coding-DNA position 9402, G replaced by C.
Protein change: p.Lys3134Asn; replaces lysine 3134 with asparagine.
Molecular consequence: missense variant.
Genome position (GRCh38, 1-based): chr2:219,491,810, G>C. VCF-style: chr2-219491810-G-C. GRCh37 (hg19) VCF-style: chr2-220356532-G-C.
Other names: short protein forms K3134N.
Identifiers: ClinVar variation 1413316 (VCV001413316.6), dbSNP rs774321268, ClinGen allele CA2127749.